The following is an entry in ClinVar:

ClinVar aggregate classification (germline): Uncertain significance (1 of 4 stars; one submission).

Conditions:
Cardiovascular phenotype. Identifiers: MedGen CN230736.

Allele frequency attached by ClinVar (database versions not stated): gnomAD exomes below 0.00001; gnomAD 0.00001; TOPMed 0.00001.
gnomAD v4.1: 6 of 1,537,102 alleles (0.00039%); highest among the groups gnomAD compares: African/African-American, 0.0041%; no homozygotes.

Submission:

Ambry Genetics
Classification: Uncertain significance for Cardiovascular phenotype. Last evaluated: 2022-07-23. Review status: criteria provided, single submitter. Criteria: Ambry Variant Classification Scheme 2023. Collection method: clinical testing. Allele origin: germline.
Comment: The p.G1119S variant (also known as c.3355G>A), located in coding exon 2 of the ZNF469 gene, results from a G to A substitution at nucleotide position 3355. The glycine at codon 1119 is replaced by serine, an amino acid with similar properties. This amino acid position is conserved. In addition, this alteration is predicted to be tolerated by in silico analysis. Since supporting evidence is limited at this time, the clinical significance of this alteration remains unclear.

NM_001367624.2(ZNF469):c.3439G>A (p.Gly1147Ser)

Gene: ZNF469 (zinc finger protein 469; plus strand). Cytogenetic location: 16q24.2.
Variant type: single nucleotide variant.
Coding change: c.3439G>A on transcript NM_001367624.2 (MANE Select); coding-DNA position 3439, G replaced by A.
Protein change: p.Gly1147Ser; replaces glycine 1147 with serine.
Molecular consequence: missense variant.
Genome position (GRCh38, 1-based): chr16:88,430,909, G>A. VCF-style: chr16-88430909-G-A. GRCh37 (hg19) VCF-style: chr16-88497317-G-A.
Other names: NM_001127464.1:c.3355G>A; short protein forms G1147S.
Identifiers: ClinVar variation 1730545 (VCV001730545.2), dbSNP rs1002187771, ClinGen allele CA286374828.
Genomic context (GRCh38, chr16:88,430,909, plus strand): 5'-ACCCAGGGTCCCAGAGAGGATGAGCCACAGAAACCCCGGAAGGCGGCGAGGCAGGAAGCC[G>A]GCGGGGACGGAGCCCCCGCGAACCCCGAGGAGCCGGGCGGGTCTCGCCCGGGCCCCGGCA-3'
Protein context (NP_001354553.1, residues 1137-1157): KPRKAARQEA[Gly1147Ser]GDGAPANPEE